The following is an entry in ClinVar:

ClinVar aggregate classification (germline): Conflicting classifications of pathogenicity. Review status: criteria provided, conflicting classifications (1 of 4 stars). 4 submissions from 4 submitters: Uncertain significance (3); Likely benign (1). Last evaluated 2024-10-02.

Conditions:
Hereditary cancer-predisposing syndrome. Also called: Neoplastic Syndromes, Hereditary; Hereditary Cancer Syndrome; Tumor predisposition; Hereditary neoplastic syndrome. Identifiers: Orphanet 140162, MedGen C0027672, MeSH D009386, MONDO:0015356.
Bloom syndrome (BLM). Also called: Bloom-Torre-Machacek syndrome. Identifiers: Orphanet 125, MedGen C0005859, MONDO:0008876, OMIM 210900.

Allele frequency attached by ClinVar (database versions not stated): TOPMed below 0.00001; gnomAD 0.00001.
gnomAD v4.1: 1 of 1,613,914 alleles (0.000062%); highest among the groups gnomAD compares: African/African-American, 0.0013%; no homozygotes.

Submissions (4):

Quest Diagnostics Nichols Institute San Juan Capistrano
Classification: Uncertain significance. Last evaluated: 2024-10-02. Review status: criteria provided, single submitter. Criteria: Quest Diagnostics criteria. Collection method: clinical testing. Allele origin: unknown.
Comment: The BLM c.1417A>G (p.Thr473Ala) variant has not been reported in individuals with BLM-related conditions in the published literature. The frequency of this variant in the general population, 0.0000066 (1/152156 chromosomes (Genome Aggregation Database)), is uninformative in the assessment of its pathogenicity. Analysis of this variant using bioinformatics tools for the prediction of the effect of amino acid changes on protein structure and function yielded predictions that this variant is benign. Based on the available information, we are unable to determine the clinical significance of this variant.

Ambry Genetics
Classification: Likely benign for Hereditary cancer-predisposing syndrome. Last evaluated: 2024-03-14. Review status: criteria provided, single submitter. Criteria: Ambry Variant Classification Scheme 2023. Collection method: clinical testing. Allele origin: germline.

Labcorp Genetics (formerly Invitae), Labcorp
Classification: Uncertain significance for Bloom syndrome. Last evaluated: 2023-02-24. Review status: criteria provided, single submitter. Criteria: Invitae Variant Classification Sherloc (09022015). Collection method: clinical testing. Allele origin: germline.
Comment: In summary, the available evidence is currently insufficient to determine the role of this variant in disease. Therefore, it has been classified as a Variant of Uncertain Significance. Advanced modeling of protein sequence and biophysical properties (such as structural, functional, and spatial information, amino acid conservation, physicochemical variation, residue mobility, and thermodynamic stability) performed at Invitae indicates that this missense variant is not expected to disrupt BLM protein function. ClinVar contains an entry for this variant (Variation ID: 803129). This variant has not been reported in the literature in individuals affected with BLM-related conditions. This variant is not present in population databases (gnomAD no frequency). This sequence change replaces threonine, which is neutral and polar, with alanine, which is neutral and non-polar, at codon 473 of the BLM protein (p.Thr473Ala).

Mendelics
Classification: Uncertain significance for Bloom syndrome. Last evaluated: 2019-05-28. Review status: criteria provided, single submitter. Criteria: Mendelics Assertion Criteria 2017. Collection method: clinical testing. Allele origin: unknown.

NM_000057.4(BLM):c.1417A>G (p.Thr473Ala)

Gene: BLM (BLM RecQ like helicase; plus strand). Cytogenetic location: 15q26.1.
Variant type: single nucleotide variant.
Coding change: c.1417A>G on transcript NM_000057.4 (MANE Select); coding-DNA position 1417, A replaced by G.
Protein change: p.Thr473Ala; replaces threonine 473 with alanine.
Molecular consequence: missense variant.
Genome position (GRCh38, 1-based): chr15:90,760,790, A>G. VCF-style: chr15-90760790-A-G. GRCh37 (hg19) VCF-style: chr15-91304020-A-G.
Other names: c.1417A>G, p.Thr473Ala (NM_001287246.2, NM_001287247.2); c.292A>G, p.Thr98Ala (NM_001287248.2); c.1417A>G (NM_000057.3); short protein forms T473A, T98A.
Identifiers: ClinVar variation 803129 (VCV000803129.9), dbSNP rs1596229797, ClinGen allele CA393843014.